The following is an entry in ClinVar:

ClinVar aggregate classification (germline): Likely pathogenic (1 of 4 stars; one submission).

Conditions:
Ehlers-Danlos syndrome, classic type, 1 (EDSCL1). Also called: EHLERS-DANLOS SYNDROME, GRAVIS TYPE; EHLERS-DANLOS SYNDROME, SEVERE CLASSIC TYPE; Ehlers-Danlos syndrome, type 1; EDS I; Ehlers-Danlos Syndrome, Classic Type, COL5A1-Related. Identifiers: MedGen C0268335, MONDO:0019567, OMIM 130000.

Submission:

Women's Health and Genetics/Laboratory Corporation of America, LabCorp
Classification: Likely pathogenic for Ehlers-Danlos syndrome, classic type, 1. Last evaluated: 2026-06-26. Review status: criteria provided, single submitter. Criteria: LabCorp Variant Classification Summary - May 2015. Collection method: clinical testing. Allele origin: germline.
Comment: Variant summary: The variant involves the duplication of exons 2-4 in the COL5A1 gene. A presumed nomenclature of c.(109+1_110-1)_(654+1_655-1)dup has been designated for the purposes of this classification. It is assumed to be a tandem duplication in direct orientation (PMIDs: 25640679, 30054569). This Copy Number Variant (CNV) is expected to alter the reading frame and predicted to result in a truncation or absence of the encoded protein due to nonsense mediated decay (NMD). Loss-of-function variants in this gene are known to be pathogenic. The variant was absent in 21694 control chromosomes. To our knowledge, no occurrence of c.(109+1_110-1)_(654+1_655-1)dup in individuals affected with COL5A1-related conditions and no experimental evidence demonstrating its impact on protein function have been reported. ClinVar contains an entry for this variant (Variation ID: 459647). Based on the evidence outlined above, the variant was classified as likely pathogenic.

NC_000009.11:g.(137534143_137582757)_(137593180_137619111)dup

Gene: COL5A1 (collagen type V alpha 1 chain; plus strand). Cytogenetic location: 9q34.3.
Variant type: Duplication.
Identifiers: ClinVar variation 4887664 (VCV004887664.1).